The following is an entry in ClinVar:

ClinVar aggregate classification (germline): Likely benign. Review status: reviewed by expert panel (3 of 4 stars). 4 submissions from 4 submitters: Likely benign (1). 3 of the submissions do not count toward it. Last evaluated 2017-06-29.

Conditions:
Hereditary cancer-predisposing syndrome. Also called: Tumor predisposition; Hereditary neoplastic syndrome; Neoplastic Syndromes, Hereditary; Hereditary Cancer Syndrome. Identifiers: Orphanet 140162, MedGen C0027672, MeSH D009386, MONDO:0015356.
Hereditary breast ovarian cancer syndrome. Also called: Hereditary breast and ovarian cancer; BRCA1- and BRCA2-Associated Hereditary Breast and Ovarian Cancer; Hereditary breast and/or ovarian cancer syndrome; Hereditary breast and ovarian cancer syndrome; Hereditary breast and ovarian cancer syndrome (HBOC); Breast and ovarian cancer. Identifiers: Orphanet 145, MedGen C0677776, MeSH D061325, MONDO:0003582. Disease mechanism: loss of function.
Breast-ovarian cancer, familial, susceptibility to, 2 (BROVCA2). Also called: BRCA2 Hereditary Breast and Ovarian Cancer. Identifiers: Orphanet 145, MedGen C2675520, MONDO:0012933, OMIM 612555. Disease mechanism: loss of function.

Allele frequency attached by ClinVar (database versions not stated): gnomAD exomes below 0.00001.
gnomAD v4.1: 2 of 1,614,198 alleles (0.00012%); highest among the groups gnomAD compares: Non-Finnish European, 0.00017%; no homozygotes.

Submissions (4):

Evidence-based Network for the Interpretation of Germline Mutant Alleles (ENIGMA)
Classification: Likely benign for Breast-ovarian cancer, familial, susceptibility to, 2. Last evaluated: 2017-06-29. Review status: reviewed by expert panel. Criteria: ENIGMA BRCA1/2 Classification Criteria (2017-06-29). Collection method: curation. Allele origin: germline.
Comment: Synonymous substitution variant, with low bioinformatic likelihood to result in a splicing aberration (Splicing prior probability 0.02).

Labcorp Genetics (formerly Invitae), Labcorp
Classification: Likely benign for Hereditary breast ovarian cancer syndrome. Last evaluated: 2025-11-23. Review status: criteria provided, single submitter. Criteria: Invitae Variant Classification Sherloc (09022015). Collection method: clinical testing. Allele origin: germline. Not counted in ClinVar's aggregate classification.

Women's Health and Genetics/Laboratory Corporation of America, LabCorp
Classification: Likely benign. Last evaluated: 2021-02-05. Review status: criteria provided, single submitter. Criteria: LabCorp Variant Classification Summary - May 2015. Collection method: clinical testing. Allele origin: germline. Not counted in ClinVar's aggregate classification.

Ambry Genetics
Classification: Likely benign for Hereditary cancer-predisposing syndrome. Last evaluated: 2018-10-31. Review status: criteria provided, single submitter. Criteria: Ambry Variant Classification Scheme 2023. Collection method: clinical testing. Allele origin: germline. Not counted in ClinVar's aggregate classification.

NM_000059.4(BRCA2):c.8718A>G (p.Glu2906=)

Gene: BRCA2 (BRCA2 DNA repair associated; plus strand). Cytogenetic location: 13q13.1.
Variant type: single nucleotide variant.
Coding change: c.8718A>G on transcript NM_000059.4 (MANE Select); coding-DNA position 8718, A replaced by G.
Protein change: p.Glu2906=; no amino-acid change (glutamic acid 2906 retained).
Molecular consequence: synonymous variant.
Genome position (GRCh38, 1-based): chr13:32,376,755, A>G. VCF-style: chr13-32376755-A-G. GRCh37 (hg19) VCF-style: chr13-32950892-A-G.
Identifiers: ClinVar variation 219869 (VCV000219869.19), dbSNP rs864622287, ClinGen allele CA350802.
Genomic context (GRCh38, chr13:32,376,755, plus strand): 5'-ATCACGTGCACTAACAAGACAGCAAGTTCGTGCTTTGCAAGATGGTGCAGAGCTTTATGA[A>G]GCAGTGAAGAATGCAGCAGACCCAGCTTACCTTGAGGTGAGAGAGTAAGAGGACATATAA-3'
Protein context (NP_000050.3, residues 2896-2916): RALQDGAELY[Glu2906=]AVKNAADPAY